The following is an entry in ClinVar:

NM_001360016.2(G6PD):c.496C>T (p.Arg166Cys)

Gene: G6PD (glucose-6-phosphate dehydrogenase; minus strand). Cytogenetic location: Xq28.
Variant type: single nucleotide variant.
Coding change: c.496C>T on transcript NM_001360016.2 (MANE Select); coding-DNA position 496, C replaced by T.
Protein change: p.Arg166Cys; replaces arginine 166 with cysteine.
Molecular consequence: missense variant.
Genome position (GRCh38, 1-based): chrX:154,534,486, G>A on the plus strand (C>T on the coding strand, the complement: G6PD is on the minus strand). VCF-style: chrX-154534486-G-A. GRCh37 (hg19) VCF-style: chrX-153762701-G-A.
Other names: G6PD Toledo; c.586C>T, p.Arg196Cys (NM_000402.4); c.496C>T, p.Arg166Cys (NM_001042351.3); short protein forms R166C, R196C.
Identifiers: ClinVar variation 1722733 (VCV001722733.4), dbSNP rs2523268426, ClinGen allele CA415238186.

ClinVar aggregate classification (germline): Pathogenic. Review status: criteria provided, multiple submitters, no conflicts (2 of 4 stars). 2 submissions from 2 submitters: Pathogenic (2). Last evaluated 2026-01-14.

Conditions:
Anemia, nonspherocytic hemolytic, due to G6PD deficiency (CNSHA1). Also called: ANEMIA, CONGENITAL, NONSPHEROCYTIC HEMOLYTIC, 1; Hemolytic anemia due to G6PD deficiency; Class I glucose-6-phosphate dehydrogenase deficiency; Favism, susceptibility to. Identifiers: Orphanet 466026, MedGen C2720289, MONDO:0010480, OMIM 300908.

Allele frequency attached by ClinVar (database versions not stated): gnomAD exomes below 0.00001.

Submissions (2):

Labcorp Genetics (formerly Invitae), Labcorp
Classification: Pathogenic for Anemia, nonspherocytic hemolytic, due to G6PD deficiency. Last evaluated: 2026-01-14. Review status: criteria provided, single submitter. Criteria: Invitae Variant Classification Sherloc (09022015). Collection method: clinical testing. Allele origin: germline.
Comment: This sequence change replaces arginine, which is basic and polar, with cysteine, which is neutral and slightly polar, at codon 166 of the G6PD protein (p.Arg166Cys). This variant is not present in population databases (gnomAD no frequency). This missense change has been observed in individual(s) with clinical features of G6PD-related conditions (PMID: 22139979, 36353116). In at least one individual the variant was observed to be de novo. This variant is also known as G6PD Toledo. ClinVar contains an entry for this variant (Variation ID: 1722733). Invitae Evidence Modeling of protein sequence and biophysical properties (such as structural, functional, and spatial information, amino acid conservation, physicochemical variation, residue mobility, and thermodynamic stability) indicates that this missense variant is expected to disrupt G6PD protein function with a positive predictive value of 95%. This variant disrupts the p.Arg166 amino acid residue in G6PD. Other variant(s) that disrupt this residue have been determined to be pathogenic (PMID: 7825590). This suggests that this residue is clinically significant, and that variants that disrupt this residue are likely to be disease-causing. For these reasons, this variant has been classified as Pathogenic.

Dunham Lab, University of Washington
Classification: Pathogenic for Anemia, nonspherocytic hemolytic, due to G6PD deficiency. Last evaluated: 2024-09-01. Review status: criteria provided, single submitter. Criteria: ACMG Guidelines, 2015. Collection method: curation. Allele origin: de novo. Affected: yes.
Comment: Variant reported in hemizygote with G6PD deficiency and acute anemia after exposure to oxidative stressor, and in another unrelated hemizygote with recurrent infections and altered response to ROS (PP4, PS4_M). Undetectable activity reported in red blood cells of hemizygote (PS3). Not observed in gnomAD (PM2). In one report, mother of hemizygote does not have variant, so presumed de novo (PM6). In another, hemizygote and heterozygous mother both have variant and altered response to ROS (PP1). Predicted to alter secondary structure by disrupting local hydrophobic interactions by introduction of additional cysteine (PP3). Post_P 0.999 (odds of pathogenicity 13661, Prior_P 0.1).

Literature cited by the submitters: PubMed 22139979 (cited by Labcorp Genetics (formerly Invitae), Labcorp and Dunham Lab, University of Washington); PubMed 36353116 (cited by Labcorp Genetics (formerly Invitae), Labcorp and Dunham Lab, University of Washington); PubMed 7825590 (cited by Labcorp Genetics (formerly Invitae), Labcorp).